The following is an entry in ClinVar:

ClinVar aggregate classification (germline): Uncertain significance. Review status: criteria provided, multiple submitters, no conflicts (2 of 4 stars). 4 submissions from 4 submitters: Uncertain significance (3). 1 of the submissions does not count toward it. Last evaluated 2025-07-29.

Conditions:
Hereditary cancer-predisposing syndrome. Also called: Hereditary Cancer Syndrome; Hereditary neoplastic syndrome; Tumor predisposition; Neoplastic Syndromes, Hereditary. Identifiers: Orphanet 140162, MedGen C0027672, MeSH D009386, MONDO:0015356.
Familial adenomatous polyposis 1 (FAP1). Also called: FAMILIAL ADENOMATOUS POLYPOSIS 1, ATTENUATED; POLYPOSIS, ADENOMATOUS INTESTINAL. Identifiers: MedGen C2713442, MONDO:0021056, OMIM 175100. Disease mechanism: loss of function.

Submissions (4):

Ambry Genetics
Classification: Uncertain significance for Hereditary cancer-predisposing syndrome. Last evaluated: 2025-07-29. Review status: criteria provided, single submitter. Criteria: Ambry Variant Classification Scheme 2023. Collection method: clinical testing. Allele origin: germline.
Comment: The c.5612_5614dupATG variant (also known as p.D1871dup), located in coding exon 15 of the APC gene, results from an in-frame duplication of ATG at nucleotide positions 5612 to 5614. This results in the duplication of an extra residue between codons 1871 and 1872. This variant was identified in a cohort of patients with suspected genetic predisposition to colorectal cancer (Svensson S et al. Genes Chromosomes Cancer, 2022 Oct;61:585-591). This amino acid position is highly conserved in available vertebrate species. In addition, this variant is predicted to be neutral by in silico analysis (Choi Y et al. PLoS ONE. 2012; 7(10):e46688). Based on the available evidence, the clinical significance of this variant remains unclear.

Labcorp Genetics (formerly Invitae), Labcorp
Classification: Uncertain significance for Familial adenomatous polyposis 1. Last evaluated: 2024-07-30. Review status: criteria provided, single submitter. Criteria: Invitae Variant Classification Sherloc (09022015). Collection method: clinical testing. Allele origin: germline.
Comment: This variant, c.5612_5614dup, results in the insertion of 1 amino acid(s) of the APC protein (p.Asp1871dup), but otherwise preserves the integrity of the reading frame. This variant is present in population databases (rs779014936, gnomAD 0.003%). This variant has been observed in individual(s) with colorectal cancer (PMID: 35430768). Experimental studies and prediction algorithms are not available or were not evaluated, and the functional significance of this variant is currently unknown. In summary, the available evidence is currently insufficient to determine the role of this variant in disease. Therefore, it has been classified as a Variant of Uncertain Significance.

Myriad Genetics, Inc.
Classification: Uncertain significance for Familial adenomatous polyposis 1. Last evaluated: 2023-02-13. Review status: criteria provided, single submitter. Criteria: Myriad Autosomal Dominant, Autosomal Recessive and X-Linked Classification Criteria (2023). Collection method: clinical testing. Allele origin: unknown.
Comment: This variant is classified as a variant of uncertain significance as there is insufficient evidence to determine its impact on protein function and/or cancer risk.

Counsyl
Classification: Uncertain significance for Familial adenomatous polyposis 1. Last evaluated: 2018-05-02. Review status: no assertion criteria provided. Collection method: clinical testing. Allele origin: unknown. Not counted in ClinVar's aggregate classification.

Literature cited by the submitters: PubMed 35430768 (cited by Ambry Genetics and Labcorp Genetics (formerly Invitae), Labcorp).

NM_000038.6(APC):c.5603ATG[5] (p.Asp1871dup)

Gene: APC (APC regulator of Wnt signaling pathway; plus strand). Cytogenetic location: 5q22.2.
Variant type: Microsatellite.
Coding change: c.5603ATG[5] on transcript NM_000038.6 (MANE Select); five copies in a row of the 3-base unit ATG starting at c.5603; the reference has four copies in a row; one copy, 3 bases duplicated.
Protein change: p.Asp1871dup; duplicates aspartic acid 1871.
Molecular consequence: inframe insertion.
Genome position (GRCh38, 1-based): chr5:112,841,206-112,841,208, ATG duplicated; duplicating any 3 consecutive bases within chr5:112,841,195-112,841,208 gives the same sequence; the position shown is the placement nearest the transcript's 3' end. VCF-style (leftmost placement, unchanged base first): chr5-112841194-T-TTGA. GRCh37 (hg19) VCF-style: chr5-112176891-T-TTGA.
Other names: c.5603ATG[5], p.Asp1871dup (NM_001127510.3, NM_001354895.2); c.5549ATG[5], p.Asp1853dup (NM_001127511.3); c.5657ATG[5], p.Asp1889dup (NM_001354896.2); c.5633ATG[5], p.Asp1881dup (NM_001354897.2); c.5528ATG[5], p.Asp1846dup (NM_001354898.2); c.5519ATG[5], p.Asp1843dup (NM_001354899.2); c.5480ATG[5], p.Asp1830dup (NM_001354900.2); c.5426ATG[5], p.Asp1812dup (NM_001354901.2); and 5 more.
Identifiers: ClinVar variation 548902 (VCV000548902.11), dbSNP rs779014936, ClinGen allele CA042335.